The following is an entry in ClinVar:

NM_001142966.3(GREB1L):c.3983del (p.Gly1328fs)

Gene: GREB1L (GREB1 like retinoic acid receptor coactivator; plus strand). Cytogenetic location: 18q11.2.
Variant type: Deletion.
Coding change: c.3983del on transcript NM_001142966.3 (MANE Select); coding-DNA position 3983, one base deleted (G; older notation c.3983delG).
Protein change: p.Gly1328fs; shifts the reading frame from glycine 1328.
Molecular consequence: frameshift variant.
Genome position (GRCh38, 1-based): chr18:21,500,553, G deleted; the last of 3 consecutive G bases (chr18:21,500,551-21,500,553); deleting any one gives the same sequence. VCF-style (leftmost placement, unchanged base first): chr18-21500550-CG-C. GRCh37 (hg19) VCF-style: chr18-19080511-CG-C.
Other names: short protein forms G1328fs.
Identifiers: ClinVar variation 1172554 (VCV001172554.1), dbSNP rs2145944530, ClinGen allele CA2499225054.

ClinVar aggregate classification (germline): Pathogenic (1 of 4 stars; one submission).

Conditions:
Renal hypodysplasia/aplasia 3 (RHDA3). Identifiers: MedGen C4540497, MONDO:0024520, OMIM 617805.

Submission:

HudsonAlpha Institute for Biotechnology
Classification: Pathogenic for Renal hypodysplasia/aplasia 3. Last evaluated: 2021-05-26. Review status: criteria provided, single submitter. Criteria: ACMG Guidelines, 2015. Collection method: research. Allele origin: unknown. Affected: yes. Observed: 1 variant allele. Study: CSER-SouthSeq.
Comment: ACMG codes:PVS1; PM2; PP4